The following is an entry in ClinVar:

ClinVar aggregate classification (germline): Uncertain significance (1 of 4 stars; one submission).

Conditions:
Neuropathy, hereditary sensory and autonomic, type 2A (HSAN2A). Also called: MORVAN DISEASE; NEUROPATHY, CONGENITAL SENSORY; NEUROPATHY, HEREDITARY SENSORY RADICULAR, AUTOSOMAL RECESSIVE; NEUROPATHY, HEREDITARY SENSORY, TYPE IIA; NEUROPATHY, PROGRESSIVE SENSORY, OF CHILDREN; WNK1-Related HSAN2 (HSAN2A). Identifiers: Orphanet 970, MedGen C2752089, MONDO:0024309, OMIM 201300.
Generalized epilepsy with febrile seizures plus, type 7 (GEFSP7). Also called: GEFS+, TYPE 7. Identifiers: Orphanet 36387, MedGen C2751778, MONDO:0013470, OMIM 613863.

gnomAD v4.1: 1 of 1,613,450 alleles (0.000062%); no homozygotes.

Submission:

Labcorp Genetics (formerly Invitae), Labcorp
Classification: Uncertain significance for Neuropathy, hereditary sensory and autonomic, type 2A; Generalized epilepsy with febrile seizures plus, type 7. Last evaluated: 2025-11-24. Review status: criteria provided, single submitter. Criteria: Invitae Variant Classification Sherloc (09022015). Collection method: clinical testing. Allele origin: germline.
Comment: This sequence change replaces valine, which is neutral and non-polar, with aspartic acid, which is acidic and polar, at codon 194 of the SCN9A protein (p.Val194Asp). This variant is not present in population databases (gnomAD no frequency). This variant has not been reported in the literature in individuals affected with SCN9A-related conditions. ClinVar contains an entry for this variant (Variation ID: 651922). Invitae Evidence Modeling of protein sequence and biophysical properties (such as structural, functional, and spatial information, amino acid conservation, physicochemical variation, residue mobility, and thermodynamic stability) indicates that this missense variant is not expected to disrupt SCN9A protein function with a negative predictive value of 95%. In summary, the available evidence is currently insufficient to determine the role of this variant in disease. Therefore, it has been classified as a Variant of Uncertain Significance.

NM_001365536.1(SCN9A):c.581T>A (p.Val194Asp)

Gene: SCN9A (sodium voltage-gated channel alpha subunit 9; minus strand). Cytogenetic location: 2q24.3.
Variant type: single nucleotide variant.
Coding change: c.581T>A on transcript NM_001365536.1 (MANE Select); coding-DNA position 581, T replaced by A.
Protein change: p.Val194Asp; replaces valine 194 with aspartic acid.
Molecular consequence: missense variant.
Genome position (GRCh38, 1-based): chr2:166,305,807, A>T on the plus strand (T>A on the coding strand, the complement: SCN9A is on the minus strand). VCF-style: chr2-166305807-A-T. GRCh37 (hg19) VCF-style: chr2-167162317-A-T.
Other names: c.581T>A, p.Val194Asp (NM_002977.4); short protein forms V194D.
Identifiers: ClinVar variation 651922 (VCV000651922.9), dbSNP rs1574905392, ClinGen allele CA349094917.